The following is an entry in ClinVar:

ClinVar aggregate classification (germline): Pathogenic (1 of 4 stars; one submission).

Submission:

GeneDx
Classification: Pathogenic. Last evaluated: 2013-07-15. Review status: criteria provided, single submitter. Criteria: GeneDx Variant Classification (06012015). Collection method: clinical testing. Allele origin: germline. Affected: yes.
Comment: Although the c.3419delA mutation in the DSP gene has not been reported to our knowledge, this mutation causes a shift in reading frame starting at codon Aspartic acid 1140, changing it to an Alanine, and creating a premature stop codon at position 19 of the new reading frame, denoted p.Asp1140AlafsX19. This mutation is expected to result in either an abnormal, truncated protein product or loss of protein from this allele through nonsense-mediated mRNA decay. Other frameshift mutations in the DSP gene have been reported in association with ARVC. In summary, c.3419delA in the DSP gene is interpreted as a disease-causing mutation.

NM_004415.4(DSP):c.3419del (p.Asp1140fs)

Gene: DSP (desmoplakin; plus strand). Cytogenetic location: 6p24.3.
Variant type: Deletion.
Coding change: c.3419del on transcript NM_004415.4 (MANE Select); coding-DNA position 3419, one base deleted (A; older notation c.3419delA).
Protein change: p.Asp1140fs; shifts the reading frame from aspartic acid 1140.
Molecular consequence: frameshift variant.
Genome position (GRCh38, 1-based): chr6:7,579,609, A deleted. VCF-style (leftmost placement, unchanged base first): chr6-7579608-GA-G. GRCh37 (hg19) VCF-style: chr6-7579841-GA-G.
Other names: c.3419del (LRG_423t1); c.3419del, p.Asp1140fs (NM_001008844.3, NM_001319034.2); short protein forms D1140fs.
Identifiers: ClinVar variation 199919 (VCV000199919.2), dbSNP rs794728140, ClinGen allele CA005795.